The following is an entry in ClinVar:

NM_000352.6(ABCC8):c.622G>T (p.Glu208Ter)

Gene: ABCC8 (ATP binding cassette subfamily C member 8; minus strand). Cytogenetic location: 11p15.1.
Variant type: single nucleotide variant.
Coding change: c.622G>T on transcript NM_000352.6 (MANE Select); coding-DNA position 622, G replaced by T.
Protein change: p.Glu208Ter; replaces glutamic acid 208 with a stop codon.
Molecular consequence: nonsense. On other transcripts: non-coding transcript variant (1).
Genome position (GRCh38, 1-based): chr11:17,461,783, C>A on the plus strand (G>T on the coding strand, the complement: ABCC8 is on the minus strand). VCF-style: chr11-17461783-C-A. GRCh37 (hg19) VCF-style: chr11-17483330-C-A.
Other names: c.622G>T, p.Glu208Ter (NM_001287174.3, NM_001351295.2, NM_001351296.2 and 1 more transcripts); short protein forms E208*.
Identifiers: ClinVar variation 2279155 (VCV002279155.2), dbSNP rs2133680513, ClinGen allele CA379779124.

ClinVar aggregate classification (germline): Pathogenic (1 of 4 stars; one submission).

Conditions:
Inborn genetic diseases. Identifiers: MedGen C0950123, MeSH D030342.

Submission:

Ambry Genetics
Classification: Pathogenic for Inborn genetic diseases. Last evaluated: 2022-03-31. Review status: criteria provided, single submitter. Criteria: Ambry Variant Classification Scheme 2023. Collection method: clinical testing. Allele origin: germline.
Comment: The c.622G>T (p.E208*) alteration, located in exon 5 (coding exon 5) of the ABCC8 gene, consists of a G to T substitution at nucleotide position 622. This changes the amino acid from a glutamic acid (E) to a stop codon at amino acid position 208. This alteration is expected to result in loss of function by premature protein truncation or nonsense-mediated mRNA decay._x000D_ _x000D_ Based on the supporting evidence, this variant is expected to be causative of familial hyperinsulinemic hypoglycemia; however, its clinical significance for ABCC8-related diabetes mellitus is unclear. This variant was not reported in population-based cohorts in the Genome Aggregation Database (gnomAD). This alteration was observed in an individual with congenital hyperinsulinism (Snider, 2013). Based on the available evidence, this alteration is classified as pathogenic.

Literature cited by the submitters: PubMed 23275527.